The following is an entry in ClinVar:

ClinVar aggregate classification (germline): Uncertain significance. Review status: criteria provided, multiple submitters, no conflicts (2 of 4 stars). 2 submissions from 2 submitters: Uncertain significance (2). Last evaluated 2025-08-24.

Conditions:
Inborn genetic diseases. Identifiers: MedGen C0950123, MeSH D030342.

gnomAD v4.1: 2 of 1,614,112 alleles (0.00012%); highest among the groups gnomAD compares: Admixed American, 0.0017%; no homozygotes.

Submissions (2):

Labcorp Genetics (formerly Invitae), Labcorp
Classification: Uncertain significance. Last evaluated: 2025-08-24. Review status: criteria provided, single submitter. Criteria: Invitae Variant Classification Sherloc (09022015). Collection method: clinical testing. Allele origin: germline.
Comment: This sequence change replaces serine, which is neutral and polar, with glycine, which is neutral and non-polar, at codon 460 of the EPB41 protein (p.Ser460Gly). This variant is not present in population databases (gnomAD no frequency). This variant has not been reported in the literature in individuals affected with EPB41-related conditions. ClinVar contains an entry for this variant (Variation ID: 4018405). Invitae Evidence Modeling of protein sequence and biophysical properties (such as structural, functional, and spatial information, amino acid conservation, physicochemical variation, residue mobility, and thermodynamic stability) indicates that this missense variant is not expected to disrupt EPB41 protein function with a negative predictive value of 80%. In summary, the available evidence is currently insufficient to determine the role of this variant in disease. Therefore, it has been classified as a Variant of Uncertain Significance.

Ambry Genetics
Classification: Uncertain significance for Inborn genetic diseases. Last evaluated: 2025-05-28. Review status: criteria provided, single submitter. Criteria: Ambry Variant Classification Scheme 2023. Collection method: clinical testing. Allele origin: germline.

NM_001376013.1(EPB41):c.2104A>G (p.Ser702Gly)

Gene: EPB41 (erythrocyte membrane protein band 4.1; plus strand). Cytogenetic location: 1p35.3.
Variant type: single nucleotide variant.
Coding change: c.2104A>G on transcript NM_001376013.1 (MANE Select); coding-DNA position 2104, A replaced by G.
Protein change: p.Ser702Gly; replaces serine 702 with glycine.
Molecular consequence: missense variant.
Genome position (GRCh38, 1-based): chr1:29,065,078, A>G. VCF-style: chr1-29065078-A-G. GRCh37 (hg19) VCF-style: chr1-29391590-A-G.
Other names: c.2104A>G, p.Ser702Gly (NM_001166005.2, NM_001376016.1, NM_001376017.1 and 1 more transcripts); c.2062A>G, p.Ser688Gly (NM_001166006.2); c.1315A>G, p.Ser439Gly (NM_001166007.2, NM_001376027.1); c.1999A>G, p.Ser667Gly (NM_001376014.1, NM_001376015.1); c.2101A>G, p.Ser701Gly (NM_001376018.1, NM_001376020.1); c.1942A>G, p.Ser648Gly (NM_001376021.1); c.1477A>G, p.Ser493Gly (NM_001376022.1, NM_001376023.1, NM_001376024.1 and 1 more transcripts); c.1369A>G, p.Ser457Gly (NM_001376026.1); and 4 more; short protein forms S493G, S667G, S438G, S457G, S460G, S701G, S439G, S613G.
Identifiers: ClinVar variation 4018405 (VCV004018405.2).